The following is an entry in ClinVar:

NM_080473.5(GATA5):c.698T>C (p.Leu233Pro)

Gene: GATA5 (GATA binding protein 5; minus strand). Cytogenetic location: 20q13.33.
Variant type: single nucleotide variant.
Coding change: c.698T>C on transcript NM_080473.5 (MANE Select); coding-DNA position 698, T replaced by C.
Protein change: p.Leu233Pro; replaces leucine 233 with proline.
Molecular consequence: missense variant.
Genome position (GRCh38, 1-based): chr20:62,473,404, A>G on the plus strand (T>C on the coding strand, the complement: GATA5 is on the minus strand). VCF-style: chr20-62473404-A-G. GRCh37 (hg19) VCF-style: chr20-61048460-A-G.
Other names: short protein forms L233P.
Identifiers: ClinVar variation 703986 (VCV000703986.18), dbSNP rs116164480, ClinGen allele CA9946241.
Genomic context (GRCh38, chr20:62,473,404, plus strand): 5'-AAGAGGTCCCCTCGGGGGAGCACTGCGCCCAGGCGCCCCTCTGCCCAGCCCGAACTCACC[A>G]GGCGCTTCTGAGGCCGAACGAGCGGCCGGTTGACGCCATTCATCTTGTGGTAGAGGCCGC-3'
Protein context (NP_536721.1, residues 223-243): NRPLVRPQKR[Leu233Pro]SSSRRAGLCC

ClinVar aggregate classification (germline): Likely benign. Review status: criteria provided, multiple submitters, no conflicts (2 of 4 stars). 5 submissions from 5 submitters: Likely benign (4). 1 of the submissions does not count toward it. Last evaluated 2026-02-03.

Conditions:
GATA5-related disorder. Also called: GATA5-related condition.

Allele frequency attached by ClinVar (database versions not stated): ESP Exome Variant Server 0.00108; gnomAD exomes 0.00143 and 0.00171; gnomAD 0.00146 and 0.00147; TOPMed 0.00191; ExAC 0.00202; 1000 Genomes Project 0.00220; 1000 Genomes Project 30x 0.00234.

Submissions (5):

Labcorp Genetics (formerly Invitae), Labcorp
Classification: Likely benign. Last evaluated: 2026-02-03. Review status: criteria provided, single submitter. Criteria: Invitae Variant Classification Sherloc (09022015). Collection method: clinical testing. Allele origin: germline.

Blueprint Genetics
Classification: Likely benign. Last evaluated: 2024-11-26. Review status: criteria provided, single submitter. Criteria: ACMG Guidelines, 2015. Collection method: clinical testing. Allele origin: germline.

GeneDx
Classification: Likely benign. Last evaluated: 2020-02-06. Review status: criteria provided, single submitter. Criteria: GeneDx Variant Classification Process June 2021. Collection method: clinical testing. Allele origin: germline. Affected: yes.
Comment: This variant is associated with the following publications: (PMID: 29966037, 25260786)

Breakthrough Genomics
Classification: Likely benign. Review status: criteria provided, single submitter. Criteria: ACMG Guidelines, 2015. Collection method: not provided. Allele origin: germline. Inheritance: Autosomal dominant inheritance. Affected: yes.

PreventionGenetics, part of Exact Sciences
Classification: Likely benign for GATA5-related condition. Last evaluated: 2021-03-18. Review status: no assertion criteria provided. Collection method: clinical testing. Allele origin: germline. Not counted in ClinVar's aggregate classification.
Comment: This variant is classified as likely benign based on ACMG/AMP sequence variant interpretation guidelines (Richards et al. 2015 PMID: 25741868, with internal and published modifications).